The following is an entry in ClinVar:

NM_000271.5(NPC1):c.1301C>T (p.Pro434Leu)

Gene: NPC1 (NPC intracellular cholesterol transporter 1; minus strand). Cytogenetic location: 18q11.2.
Variant type: single nucleotide variant.
Coding change: c.1301C>T on transcript NM_000271.5 (MANE Select); coding-DNA position 1301, C replaced by T.
Protein change: p.Pro434Leu; replaces proline 434 with leucine.
Molecular consequence: missense variant.
Genome position (GRCh38, 1-based): chr18:23,556,268, G>A on the plus strand (C>T on the coding strand, the complement: NPC1 is on the minus strand). VCF-style: chr18-23556268-G-A. GRCh37 (hg19) VCF-style: chr18-21136232-G-A.
Other names: p.Pro434Leu; short protein forms P434L.
Identifiers: ClinVar variation 429322 (VCV000429322.15), dbSNP rs774333145, ClinGen allele CA297069387.
Genomic context (GRCh38, chr18:23,556,268, plus strand): 5'-TCTAGAGTGACTTATTTCTTCAAACAGCAGGTTACCTGGTGCAGTATCTGTATGTCAAGC[G>A]GAGGTCCAAAGGGTACATCAGCTCCCGAAGGGTATGGCTGGTAAATGTGTTTGTCAGTGA-3'
Protein context (NP_000262.2, residues 424-444): PSGADVPFGP[Pro434Leu]LDIQILHQVL

ClinVar aggregate classification (germline): Pathogenic/Likely pathogenic. Review status: criteria provided, multiple submitters, no conflicts (2 of 4 stars). 7 submissions from 7 submitters: Pathogenic (2); Likely pathogenic (4). 1 of the submissions does not count toward it. Last evaluated 2026-04-02.

Conditions:
NPC1-related disorder. Also called: NPC1-related condition.
Niemann-Pick disease, type C1. Also called: NIEMANN-PICK DISEASE, VARIANT TYPE C1; NEUROVISCERAL STORAGE DISEASE WITH VERTICAL SUPRANUCLEAR OPHTHALMOPLEGIA; NIEMANN-PICK DISEASE WITH CHOLESTEROL ESTERIFICATION BLOCK; NIEMANN-PICK DISEASE WITHOUT SPHINGOMYELINASE DEFICIENCY; NIEMANN-PICK DISEASE, CHRONIC NEURONOPATHIC FORM. Identifiers: Orphanet 646, MedGen C3179455, MONDO:0009757, OMIM 257220.

Allele frequency attached by ClinVar (database versions not stated): TOPMed 0.00001; gnomAD 0.00002; gnomAD exomes 0.00002 and 0.00003.
gnomAD v4.1: 48 of 1,613,970 alleles (0.003%); highest among the groups gnomAD compares: African/African-American, 0.004%; no homozygotes.

Submissions (7):

PreventionGenetics, part of Exact Sciences
Classification: Likely pathogenic for NPC1-related condition. Last evaluated: 2026-04-02. Review status: criteria provided, single submitter. Criteria: ACMG Guidelines, 2015. Collection method: clinical testing. Allele origin: germline.
Comment: The NPC1 c.1301C>T variant is predicted to result in the amino acid substitution p.Pro434Leu. This variant has been reported in the homozygous and compound heterozygous states in individuals with Niemann-Pick disease, type C (For example: Fernandez-Valero et al. 2005. PubMed ID: 16098014; Table S4, Wang et al. 2022. PubMed ID: 35257483; Pintavorn et al. 2022. PubMed ID: 36325261; eTable 4, Liang et al. 2024. PubMed ID: 38131230; Table S3, Silva-rodríguez et al. 2025. PubMed ID: 40009086). This variant is reported in 0.0062% of alleles in individuals of African descent in gnomAD. This variant is interpreted as likely pathogenic.

Women's Health and Genetics/Laboratory Corporation of America, LabCorp
Classification: Pathogenic for Niemann-Pick disease, type C1. Last evaluated: 2025-11-20. Review status: criteria provided, single submitter. Criteria: LabCorp Variant Classification Summary - May 2015. Collection method: clinical testing. Allele origin: germline.
Comment: Variant summary: NPC1 c.1301C>T (p.Pro434Leu) results in a non-conservative amino acid change in the encoded protein sequence. Algorithms developed to predict the effect of missense changes on protein structure and function are either unavailable or do not agree on the potential impact of this missense change. The variant allele was found at a frequency of 1.6e-05 in 251404 control chromosomes. c.1301C>T has been observed in the presumed or confirmed compound heterozygous state in multiple individual(s) affected with Niemann-Pick disease, type C1 (example, Pintavorn_2022, Fernandez-Valero_2005, Reunert_2016) and in the homozygous state in 1 individual with idiopathic liver disease (example, Wang_2022). These data indicate that the variant may be associated with disease. To our knowledge, no experimental evidence demonstrating an impact on protein function has been reported. The following publications have been ascertained in the context of this evaluation (PMID: 35257483, 37032242, 26239048, 27238017, 38291356, 28130309, 31543266, 39507854, 38964371, 36325261, 16098014, 38131230, 26981555, 40009086). ClinVar contains an entry for this variant (Variation ID: 429322). Based on the evidence outlined above, the variant was classified as pathogenic.

Mayo Clinic Laboratories, Mayo Clinic
Classification: Likely pathogenic. Last evaluated: 2025-09-15. Review status: criteria provided, single submitter. Criteria: ACMG Guidelines, 2015. Collection method: clinical testing. Allele origin: germline. Observed: 1 variant allele.
Comment: PP4, PM2_supporting, PM3_strong

Labcorp Genetics (formerly Invitae), Labcorp
Classification: Pathogenic for Niemann-Pick disease, type C1. Last evaluated: 2025-04-11. Review status: criteria provided, single submitter. Criteria: Invitae Variant Classification Sherloc (09022015). Collection method: clinical testing. Allele origin: germline.
Comment: This sequence change replaces proline, which is neutral and non-polar, with leucine, which is neutral and non-polar, at codon 434 of the NPC1 protein (p.Pro434Leu). This variant is present in population databases (rs774333145, gnomAD 0.007%). This missense change has been observed in individual(s) with Niemann-Pick disease type C (PMID: 16098014, 26981555, 36325261). In at least one individual the data is consistent with being in trans (on the opposite chromosome) from a pathogenic variant. ClinVar contains an entry for this variant (Variation ID: 429322). Invitae Evidence Modeling of protein sequence and biophysical properties (such as structural, functional, and spatial information, amino acid conservation, physicochemical variation, residue mobility, and thermodynamic stability) indicates that this missense variant is not expected to disrupt NPC1 protein function with a negative predictive value of 95%. For these reasons, this variant has been classified as Pathogenic.

Institute of Human Genetics Munich, TUM University Hospital
Classification: Likely pathogenic for Niemann-Pick disease, type C1. Last evaluated: 2024-06-20. Review status: criteria provided, single submitter. Criteria: Classification criteria August 2017. Collection method: clinical testing. Allele origin: germline. Inheritance: Autosomal recessive inheritance. Affected: yes. Observed: 1 variant allele.

GeneDx
Classification: Likely pathogenic. Last evaluated: 2015-08-16. Review status: criteria provided, single submitter. Criteria: GeneDx Variant Classification (06012015). Collection method: clinical testing. Allele origin: germline. Affected: yes.
Comment: The P434L variant has been reported previously in an individual with a biochemical diagnosis of Niemann-Pick disease type C (NPC) who also carried another missense variant in the NPC1 gene, although phase was not determined and functional studies were not performed (Fernandez-Valero et al., 2005). The P434L variant is a semi-conservative amino acid substitution, which may impact secondary protein structure as these residues differ in some properties. This substitution occurs at a position that is conserved in mammals. In silico analysis is inconsistent in its predictions as to whether or not the variant is damaging to the protein structure/function. A missense variant in a nearby residue (P433L) has been reported in the Human Gene Mutation Database in association with NPC (Stenson et al., 2014), supporting the functional importance of this region of the protein. Therefore, the P434L variant is a strong candidate for a pathogenic variant, however the possibility that it is a benign variant cannot be excluded.

Counsyl
Classification: Uncertain significance for Niemann-Pick disease, type C1. Last evaluated: 2017-10-17. Review status: no assertion criteria provided. Collection method: clinical testing. Allele origin: unknown. Not counted in ClinVar's aggregate classification.

Literature cited by the submitters: PubMed 16098014 (cited by 4 submitters); PubMed 26981555 (cited by 4 submitters); PubMed 28130309 (cited by Women's Health and Genetics/Laboratory Corporation of America, LabCorp); PubMed 27238017 (cited by Women's Health and Genetics/Laboratory Corporation of America, LabCorp); PubMed 31543266 (cited by Women's Health and Genetics/Laboratory Corporation of America, LabCorp); PubMed 35257483 (cited by Women's Health and Genetics/Laboratory Corporation of America, LabCorp and Mayo Clinic Laboratories, Mayo Clinic); PubMed 38131230 (cited by Women's Health and Genetics/Laboratory Corporation of America, LabCorp); PubMed 39507854 (cited by Women's Health and Genetics/Laboratory Corporation of America, LabCorp and Mayo Clinic Laboratories, Mayo Clinic); PubMed 37032242 (cited by Women's Health and Genetics/Laboratory Corporation of America, LabCorp); PubMed 26239048 (cited by Women's Health and Genetics/Laboratory Corporation of America, LabCorp); PubMed 40009086 (cited by Women's Health and Genetics/Laboratory Corporation of America, LabCorp); PubMed 38964371 (cited by Women's Health and Genetics/Laboratory Corporation of America, LabCorp and Mayo Clinic Laboratories, Mayo Clinic); PubMed 38291356 (cited by Women's Health and Genetics/Laboratory Corporation of America, LabCorp); PubMed 36325261 (cited by 3 submitters).